The following is an entry in ClinVar:

NM_000384.3(APOB):c.13168G>C (p.Asp4390His)

Gene: APOB (apolipoprotein B; minus strand). Cytogenetic location: 2p24.1.
Variant type: single nucleotide variant.
Coding change: c.13168G>C on transcript NM_000384.3 (MANE Select); coding-DNA position 13168, G replaced by C.
Protein change: p.Asp4390His; replaces aspartic acid 4390 with histidine.
Molecular consequence: missense variant.
Genome position (GRCh38, 1-based): chr2:21,002,254, C>G on the plus strand (G>C on the coding strand, the complement: APOB is on the minus strand). VCF-style: chr2-21002254-C-G. GRCh37 (hg19) VCF-style: chr2-21225126-C-G.
Other names: short protein forms D4390H.
Identifiers: ClinVar variation 440507 (VCV000440507.5), dbSNP rs771015234, ClinGen allele CA052031.

ClinVar aggregate classification (germline): Uncertain significance. Review status: criteria provided, multiple submitters, no conflicts (2 of 4 stars). 3 submissions from 3 submitters: Uncertain significance (2). 1 of the submissions does not count toward it. Last evaluated 2025-05-18.

Conditions:
Cardiovascular phenotype. Identifiers: MedGen CN230736.
Hypercholesterolemia, familial, 1. Also called: LDL RECEPTOR DISORDER; Hyperlipoproteinemia Type IIa; HYPER-LOW-DENSITY-LIPOPROTEINEMIA; HYPERCHOLESTEROLEMIC XANTHOMATOSIS, FAMILIAL; Fredrickson type IIa hyperlipoproteinemia; Hyperlipoproteinemia type 2. Identifiers: Orphanet 391665, MedGen C0745103, MONDO:0007750, OMIM 143890.

gnomAD v4.1: 10 of 1,613,946 alleles (0.00062%); highest among the groups gnomAD compares: South Asian, 0.011%; no homozygotes.

Submissions (3):

Ambry Genetics
Classification: Uncertain significance for Cardiovascular phenotype. Last evaluated: 2025-05-18. Review status: criteria provided, single submitter. Criteria: Ambry Variant Classification Scheme 2023. Collection method: clinical testing. Allele origin: germline.
Comment: The p.D4390H variant (also known as c.13168G>C), located in coding exon 29 of the APOB gene, results from a G to C substitution at nucleotide position 13168. The aspartic acid at codon 4390 is replaced by histidine, an amino acid with similar properties. This amino acid position is well conserved in available vertebrate species. In addition, this alteration is predicted to be tolerated by in silico analysis. Since supporting evidence is limited at this time, the clinical significance of this alteration remains unclear.

GeneDx
Classification: Uncertain significance. Last evaluated: 2023-07-31. Review status: criteria provided, single submitter. Criteria: GeneDx Variant Classification Process June 2021. Collection method: clinical testing. Allele origin: germline. Affected: yes.
Comment: Has not been previously published as pathogenic or benign to our knowledge; Not observed at significant frequency in large population cohorts (gnomAD); In silico analysis supports that this missense variant has a deleterious effect on protein structure/function; Also known as D4363H

Laboratorium voor Moleculaire Diagnostiek Experimentele Vasculaire Geneeskunde, Academisch Medisch Centrum
Classification: Pathogenic for Familial hypercholesterolemia. Review status: no assertion criteria provided. Collection method: research. Allele origin: germline. Not counted in ClinVar's aggregate classification.